The following is an entry in ClinVar:

NM_001184.4(ATR):c.1985G>A (p.Ser662Asn)

Gene: ATR (ATR checkpoint kinase; minus strand). Cytogenetic location: 3q23.
Variant type: single nucleotide variant.
Coding change: c.1985G>A on transcript NM_001184.4 (MANE Select); coding-DNA position 1985, G replaced by A.
Protein change: p.Ser662Asn; replaces serine 662 with asparagine.
Molecular consequence: missense variant.
Genome position (GRCh38, 1-based): chr3:142,556,476, C>T on the plus strand (G>A on the coding strand, the complement: ATR is on the minus strand). VCF-style: chr3-142556476-C-T. GRCh37 (hg19) VCF-style: chr3-142275318-C-T.
Other names: c.1793G>A, p.Ser598Asn (NM_001354579.2); short protein forms S662N, S598N.
Identifiers: ClinVar variation 2447391 (VCV002447391.2), dbSNP rs2108473065, ClinGen allele CA354819311.

ClinVar aggregate classification (germline): Uncertain significance (1 of 4 stars; one submission).

Conditions:
Inborn genetic diseases. Identifiers: MedGen C0950123, MeSH D030342.

Allele frequency attached by ClinVar (database versions not stated): gnomAD exomes below 0.00001.
gnomAD v4.1: 1 of 1,614,078 alleles (0.000062%); highest among the groups gnomAD compares: Non-Finnish European, 0.000085%; no homozygotes.

Submission:

Ambry Genetics
Classification: Uncertain significance for Inborn genetic diseases. Last evaluated: 2022-11-16. Review status: criteria provided, single submitter. Criteria: Ambry Variant Classification Scheme 2023. Collection method: clinical testing. Allele origin: germline.
Comment: The p.S662N variant (also known as c.1985G>A), located in coding exon 9 of the ATR gene, results from a G to A substitution at nucleotide position 1985. The serine at codon 662 is replaced by asparagine, an amino acid with highly similar properties. This amino acid position is conserved. In addition, this alteration is predicted to be tolerated by in silico analysis. Since supporting evidence is limited at this time, the clinical significance of this alteration remains unclear.